The following is an entry in ClinVar:

NM_015331.3(NCSTN):c.49C>G (p.Leu17Val)

Gene: NCSTN (nicastrin; plus strand). Cytogenetic location: 1q23.2.
Variant type: single nucleotide variant.
Coding change: c.49C>G on transcript NM_015331.3 (MANE Select); coding-DNA position 49, C replaced by G.
Protein change: p.Leu17Val; replaces leucine 17 with valine.
Molecular consequence: missense variant. On other transcripts: 5 prime UTR variant (1).
Genome position (GRCh38, 1-based): chr1:160,343,445, C>G. VCF-style: chr1-160343445-C-G. GRCh37 (hg19) VCF-style: chr1-160313235-C-G.
Other names: c.-151C>G (NM_001290184.2); c.49C>G, p.Leu17Val (NM_001290186.2, NM_001349729.2); short protein forms L17V.
Identifiers: ClinVar variation 1443158 (VCV001443158.6), dbSNP rs200632380, ClinGen allele CA1198548.

ClinVar aggregate classification (germline): Uncertain significance (1 of 4 stars; one submission).

Allele frequency attached by ClinVar (database versions not stated): ExAC 0.00002; gnomAD exomes 0.00002 and 0.00003; TOPMed 0.00002; gnomAD 0.00003.
gnomAD v4.1: 49 of 1,611,972 alleles (0.003%); highest among the groups gnomAD compares: Non-Finnish European, 0.0041%; no homozygotes.

Submission:

Labcorp Genetics (formerly Invitae), Labcorp
Classification: Uncertain significance. Last evaluated: 2024-01-29. Review status: criteria provided, single submitter. Criteria: Invitae Variant Classification Sherloc (09022015). Collection method: clinical testing. Allele origin: germline.
Comment: This sequence change replaces leucine, which is neutral and non-polar, with valine, which is neutral and non-polar, at codon 17 of the NCSTN protein (p.Leu17Val). This variant is present in population databases (rs200632380, gnomAD 0.006%). This variant has not been reported in the literature in individuals affected with NCSTN-related conditions. ClinVar contains an entry for this variant (Variation ID: 1443158). An algorithm developed to predict the effect of missense changes on protein structure and function (PolyPhen-2) suggests that this variant is likely to be tolerated. In summary, the available evidence is currently insufficient to determine the role of this variant in disease. Therefore, it has been classified as a Variant of Uncertain Significance.